The following is an entry in ClinVar:

NM_001206927.2(DNAH8):c.2901G>A (p.Glu967=)

Gene: DNAH8 (dynein axonemal heavy chain 8; plus strand). Cytogenetic location: 6p21.2.
Variant type: single nucleotide variant.
Coding change: c.2901G>A on transcript NM_001206927.2 (MANE Select); coding-DNA position 2901, G replaced by A.
Protein change: p.Glu967=; no amino-acid change (glutamic acid 967 retained).
Molecular consequence: synonymous variant.
Genome position (GRCh38, 1-based): chr6:38,791,674, G>A. VCF-style: chr6-38791674-G-A. GRCh37 (hg19) VCF-style: chr6-38759450-G-A.
Other names: c.2250G>A, p.Glu750= (NM_001371.4).
Identifiers: ClinVar variation 843429 (VCV000843429.8), dbSNP rs762902639, ClinGen allele CA3788655.

ClinVar aggregate classification (germline): Uncertain significance (1 of 4 stars; one submission).

Conditions:
Primary ciliary dyskinesia. Also called: Ciliary dyskinesia. Identifiers: Orphanet 244, MedGen C0008780, MONDO:0016575, HP:0012265.

Allele frequency attached by ClinVar (database versions not stated): gnomAD exomes below 0.00001; ExAC 0.00001; gnomAD 0.00001; TOPMed 0.00002.
gnomAD v4.1: 1 of 1,608,042 alleles (0.000062%); highest among the groups gnomAD compares: African/African-American, 0.0013%; no homozygotes.

Submission:

Labcorp Genetics (formerly Invitae), Labcorp
Classification: Uncertain significance for Primary ciliary dyskinesia. Last evaluated: 2022-02-05. Review status: criteria provided, single submitter. Criteria: Invitae Variant Classification Sherloc (09022015). Collection method: clinical testing. Allele origin: germline.
Comment: Variants that disrupt the consensus splice site are a relatively common cause of aberrant splicing (PMID: 17576681, 9536098). Algorithms developed to predict the effect of sequence changes on RNA splicing suggest that this variant may disrupt the consensus splice site. ClinVar contains an entry for this variant (Variation ID: 843429). This variant has not been reported in the literature in individuals affected with DNAH8-related conditions. This variant is present in population databases (rs762902639, gnomAD 0.007%). This sequence change affects codon 967 of the DNAH8 mRNA. It is a 'silent' change, meaning that it does not change the encoded amino acid sequence of the DNAH8 protein. This variant also falls at the last nucleotide of exon 21, which is part of the consensus splice site for this exon. In summary, the available evidence is currently insufficient to determine the role of this variant in disease. Therefore, it has been classified as a Variant of Uncertain Significance.

Literature cited by the submitters: PubMed 17576681; PubMed 9536098.